The following is an entry in ClinVar:

ClinVar aggregate classification (germline): Uncertain significance. Review status: criteria provided, single submitter (1 of 4 stars). 2 submissions from 2 submitters: Uncertain significance (1). 1 of the submissions does not count toward it. Last evaluated 2025-10-18.

Conditions:
KIF21A-related disorder. Also called: KIF21A-related condition.
Inborn genetic diseases. Identifiers: MedGen C0950123, MeSH D030342.

Allele frequency attached by ClinVar (database versions not stated): gnomAD exomes 0.00004; gnomAD 0.00036; TOPMed 0.00040; 1000 Genomes Project 0.00080; 1000 Genomes Project 30x 0.00094; ExAC 0.00016; ESP Exome Variant Server 0.00031.
gnomAD v4.1: 113 of 1,613,452 alleles (0.007%); highest among the groups gnomAD compares: African/African-American, 0.13%; 1 homozygote.

Submissions (2):

Ambry Genetics
Classification: Uncertain significance for Inborn genetic diseases. Last evaluated: 2025-10-18. Review status: criteria provided, single submitter. Criteria: Ambry Variant Classification Scheme 2023. Collection method: clinical testing. Allele origin: germline.

PreventionGenetics, part of Exact Sciences
Classification: Likely benign for KIF21A-related condition. Last evaluated: 2022-11-07. Review status: no assertion criteria provided. Collection method: clinical testing. Allele origin: germline. Not counted in ClinVar's aggregate classification.
Comment: This variant is classified as likely benign based on ACMG/AMP sequence variant interpretation guidelines (Richards et al. 2015 PMID: 25741868, with internal and published modifications).

NM_001173464.2(KIF21A):c.3836G>A (p.Arg1279Gln)

Gene: KIF21A (kinesin family member 21A; minus strand). Cytogenetic location: 12q12.
Variant type: single nucleotide variant.
Coding change: c.3836G>A on transcript NM_001173464.2 (MANE Select); coding-DNA position 3836, G replaced by A.
Protein change: p.Arg1279Gln; replaces arginine 1279 with glutamine.
Molecular consequence: missense variant.
Genome position (GRCh38, 1-based): chr12:39,318,145, C>T on the plus strand (G>A on the coding strand, the complement: KIF21A is on the minus strand). VCF-style: chr12-39318145-C-T. GRCh37 (hg19) VCF-style: chr12-39711947-C-T.
Other names: c.3776G>A, p.Arg1259Gln (NM_001173463.2); c.3728G>A, p.Arg1243Gln (NM_001173465.2); c.3836G>A, p.Arg1279Gln (NM_001378439.1, NM_001378440.1); c.3797G>A, p.Arg1266Gln (NM_001378441.1, NM_017641.4); c.3797G>A (NM_017641.3); short protein forms R1243Q, R1259Q, R1266Q, R1279Q.
Identifiers: ClinVar variation 3054721 (VCV003054721.3), dbSNP rs139695269, ClinGen allele CA6510399.